The following is an entry in ClinVar:

ClinVar aggregate classification (germline): Uncertain significance (1 of 4 stars; one submission).

Conditions:
Inborn genetic diseases. Identifiers: MedGen C0950123, MeSH D030342.

Submission:

Ambry Genetics
Classification: Uncertain significance for Inborn genetic diseases. Last evaluated: 2024-04-01. Review status: criteria provided, single submitter. Criteria: Ambry Variant Classification Scheme 2023. Collection method: clinical testing. Allele origin: germline.
Comment: The p.E1263A variant (also known as c.3788A>C), located in coding exon 28 of the LRRK2 gene, results from an A to C substitution at nucleotide position 3788. The glutamic acid at codon 1263 is replaced by alanine, an amino acid with dissimilar properties. This amino acid position is conserved. In addition, this alteration is predicted to be tolerated by in silico analysis. Based on the available evidence, the clinical significance of this alteration remains unclear.

NM_198578.4(LRRK2):c.3788A>C (p.Glu1263Ala)

Gene: LRRK2 (leucine rich repeat kinase 2; plus strand). Cytogenetic location: 12q12.
Variant type: single nucleotide variant.
Coding change: c.3788A>C on transcript NM_198578.4 (MANE Select); coding-DNA position 3788, A replaced by C.
Protein change: p.Glu1263Ala; replaces glutamic acid 1263 with alanine.
Molecular consequence: missense variant.
Genome position (GRCh38, 1-based): chr12:40,305,795, A>C. VCF-style: chr12-40305795-A-C. GRCh37 (hg19) VCF-style: chr12-40699597-A-C.
Other names: short protein forms E1263A.
Identifiers: ClinVar variation 3291942 (VCV003291942.1).